The following is an entry in ClinVar:

ClinVar aggregate classification (germline): Uncertain significance. Review status: criteria provided, multiple submitters, no conflicts (2 of 4 stars). 2 submissions from 2 submitters: Uncertain significance (2). Last evaluated 2025-02-26.

Conditions:
Autosomal recessive severe congenital neutropenia due to CSF3R deficiency. Also called: Neutropenia, severe congenital, 7, autosomal recessive. Identifiers: Orphanet 420702, MedGen C4310764, MONDO:0014865, OMIM 617014.
Inborn genetic diseases. Identifiers: MedGen C0950123, MeSH D030342.

Allele frequency attached by ClinVar (database versions not stated): gnomAD exomes 0.00001; gnomAD 0.00002; TOPMed 0.00005.
gnomAD v4.1: 8 of 1,613,860 alleles (0.0005%); highest among the groups gnomAD compares: Admixed American, 0.01%; no homozygotes.

Submissions (2):

Ambry Genetics
Classification: Uncertain significance for Inborn genetic diseases. Last evaluated: 2025-02-26. Review status: criteria provided, single submitter. Criteria: Ambry Variant Classification Scheme 2023. Collection method: clinical testing. Allele origin: germline.

Labcorp Genetics (formerly Invitae), Labcorp
Classification: Uncertain significance for Autosomal recessive severe congenital neutropenia due to CSF3R deficiency. Last evaluated: 2024-07-30. Review status: criteria provided, single submitter. Criteria: Invitae Variant Classification Sherloc (09022015). Collection method: clinical testing. Allele origin: germline.
Comment: This sequence change replaces leucine, which is neutral and non-polar, with phenylalanine, which is neutral and non-polar, at codon 751 of the CSF3R protein (p.Leu751Phe). This variant is not present in population databases (gnomAD no frequency). This variant has not been reported in the literature in individuals affected with CSF3R-related conditions. ClinVar contains an entry for this variant (Variation ID: 1421035). Advanced modeling of protein sequence and biophysical properties (such as structural, functional, and spatial information, amino acid conservation, physicochemical variation, residue mobility, and thermodynamic stability) performed at Invitae indicates that this missense variant is not expected to disrupt CSF3R protein function with a negative predictive value of 80%. In summary, the available evidence is currently insufficient to determine the role of this variant in disease. Therefore, it has been classified as a Variant of Uncertain Significance.

NM_000760.4(CSF3R):c.2251C>T (p.Leu751Phe)

Gene: CSF3R (colony stimulating factor 3 receptor; minus strand). Cytogenetic location: 1p34.3.
Variant type: single nucleotide variant.
Coding change: c.2251C>T on transcript NM_000760.4 (MANE Select); coding-DNA position 2251, C replaced by T.
Protein change: p.Leu751Phe; replaces leucine 751 with phenylalanine.
Molecular consequence: missense variant. On other transcripts: intron variant (1).
Genome position (GRCh38, 1-based): chr1:36,466,617, G>A on the plus strand (C>T on the coding strand, the complement: CSF3R is on the minus strand). VCF-style: chr1-36466617-G-A. GRCh37 (hg19) VCF-style: chr1-36932218-G-A.
Other names: c.2251C>T (NM_000760.3); c.2332C>T, p.Leu778Phe (NM_156039.3); c.2247+4C>T (NM_172313.3); short protein forms L778F, L751F.
Identifiers: ClinVar variation 1421035 (VCV001421035.9), dbSNP rs1650331500, ClinGen allele CA339413476.
Genomic context (GRCh38, chr1:36,466,617, plus strand): 5'-CACAGCGGAGATAGTGCCCTGGCCCTGGGCTTGTGGGGCTGCCCAGCAGCTGCCCATAAA[G>A]GACCTGATCGCTGGTGCCAGACTGGGATTGGGGCTGGGTGGAAACTGCTCTTGGGTCCCC-3'
Protein context (NP_000751.1, residues 741-761): QSQSGTSDQV[Leu751Phe]YGQLLGSPTS